The following is an entry in ClinVar:

NM_001378454.1(ALMS1):c.955A>G (p.Asn319Asp)

Gene: ALMS1 (ALMS1 centrosome and basal body associated protein; plus strand). Cytogenetic location: 2p13.1.
Variant type: single nucleotide variant.
Coding change: c.955A>G on transcript NM_001378454.1 (MANE Select); coding-DNA position 955, A replaced by G.
Protein change: p.Asn319Asp; replaces asparagine 319 with aspartic acid.
Molecular consequence: missense variant.
Genome position (GRCh38, 1-based): chr2:73,424,620, A>G. VCF-style: chr2-73424620-A-G. GRCh37 (hg19) VCF-style: chr2-73651748-A-G.
Other names: c.958A>G, p.Asn320Asp (NM_015120.4); short protein forms N320D, N319D.
Identifiers: ClinVar variation 550075 (VCV000550075.12), dbSNP rs376892136, ClinGen allele CA1713019.

ClinVar aggregate classification (germline): Uncertain significance. Review status: criteria provided, multiple submitters, no conflicts (2 of 4 stars). 4 submissions from 4 submitters: Uncertain significance (2). 2 of the submissions do not count toward it. Last evaluated 2022-12-01.

Conditions:
Cardiovascular phenotype. Identifiers: MedGen CN230736.
Alstrom syndrome (ALMS). Identifiers: Orphanet 64, MedGen C0268425, MONDO:0008763, OMIM 203800.

Allele frequency attached by ClinVar (database versions not stated): ExAC 0.00002; gnomAD 0.00004; TOPMed 0.00005; ESP Exome Variant Server 0.00008; 1000 Genomes Project 0.00020; 1000 Genomes Project 30x 0.00031.
gnomAD v4.1: 15 of 1,614,026 alleles (0.00093%); highest among the groups gnomAD compares: African/African-American, 0.012%; no homozygotes.

Submissions (4):

Ambry Genetics
Classification: Uncertain significance for Cardiovascular phenotype. Last evaluated: 2022-12-01. Review status: criteria provided, single submitter. Criteria: Ambry Variant Classification Scheme 2023. Collection method: clinical testing. Allele origin: germline.
Comment: The p.N320D variant (also known as c.958A>G), located in coding exon 5 of the ALMS1 gene, results from an A to G substitution at nucleotide position 958. The asparagine at codon 320 is replaced by aspartic acid, an amino acid with highly similar properties. This amino acid position is poorly conserved in available vertebrate species. In addition, this alteration is predicted to be tolerated by in silico analysis. Since supporting evidence is limited at this time, the clinical significance of this alteration remains unclear.

Labcorp Genetics (formerly Invitae), Labcorp
Classification: Uncertain significance for Alstrom syndrome. Last evaluated: 2022-07-19. Review status: criteria provided, single submitter. Criteria: Invitae Variant Classification Sherloc (09022015). Collection method: clinical testing. Allele origin: germline.
Comment: This sequence change replaces asparagine, which is neutral and polar, with aspartic acid, which is acidic and polar, at codon 320 of the ALMS1 protein (p.Asn320Asp). This variant is present in population databases (rs376892136, gnomAD 0.01%). This variant has not been reported in the literature in individuals affected with ALMS1-related conditions. ClinVar contains an entry for this variant (Variation ID: 550075). Experimental studies and prediction algorithms are not available or were not evaluated, and the functional significance of this variant is currently unknown. In summary, the available evidence is currently insufficient to determine the role of this variant in disease. Therefore, it has been classified as a Variant of Uncertain Significance.

Natera, Inc.
Classification: Uncertain significance for Alstrom syndrome. Last evaluated: 2020-08-05. Review status: no assertion criteria provided. Collection method: clinical testing. Allele origin: germline. Not counted in ClinVar's aggregate classification.

Counsyl
Classification: Uncertain significance for Alstrom syndrome. Last evaluated: 2017-01-06. Review status: no assertion criteria provided. Collection method: clinical testing. Allele origin: unknown. Not counted in ClinVar's aggregate classification.